The following is an entry in ClinVar:

NM_016111.4(TELO2):c.1888G>A (p.Gly630Arg)

Gene: TELO2 (telomere maintenance 2; plus strand). Cytogenetic location: 16p13.3.
Variant type: single nucleotide variant.
Coding change: c.1888G>A on transcript NM_016111.4 (MANE Select); coding-DNA position 1888, G replaced by A.
Protein change: p.Gly630Arg; replaces glycine 630 with arginine.
Molecular consequence: missense variant.
Genome position (GRCh38, 1-based): chr16:1,505,455, G>A. VCF-style: chr16-1505455-G-A. GRCh37 (hg19) VCF-style: chr16-1555456-G-A.
Other names: c.1888G>A, p.Gly630Arg (NM_001351846.2); short protein forms G630R.
Identifiers: ClinVar variation 1973645 (VCV001973645.3), dbSNP rs775933243, ClinGen allele CA7812388.

ClinVar aggregate classification (germline): Uncertain significance (1 of 4 stars; one submission).

Allele frequency attached by ClinVar (database versions not stated): TOPMed below 0.00001; gnomAD 0.00002; ExAC 0.00007.
gnomAD v4.1: 57 of 1,612,980 alleles (0.0035%); highest among the groups gnomAD compares: Middle Eastern, 0.017%; no homozygotes.

Submission:

Labcorp Genetics (formerly Invitae), Labcorp
Classification: Uncertain significance. Last evaluated: 2022-11-01. Review status: criteria provided, single submitter. Criteria: Invitae Variant Classification Sherloc (09022015). Collection method: clinical testing. Allele origin: germline.
Comment: In summary, the available evidence is currently insufficient to determine the role of this variant in disease. Therefore, it has been classified as a Variant of Uncertain Significance. Advanced modeling of protein sequence and biophysical properties (such as structural, functional, and spatial information, amino acid conservation, physicochemical variation, residue mobility, and thermodynamic stability) performed at Invitae indicates that this missense variant is not expected to disrupt TELO2 protein function. This variant has not been reported in the literature in individuals affected with TELO2-related conditions. This variant is present in population databases (rs775933243, gnomAD 0.03%), including at least one homozygous and/or hemizygous individual. This sequence change replaces glycine, which is neutral and non-polar, with arginine, which is basic and polar, at codon 630 of the TELO2 protein (p.Gly630Arg).